The following is an entry in ClinVar:

NM_014339.7(IL17RA):c.1689C>T (p.Gly563=)

Gene: IL17RA (interleukin 17 receptor A; plus strand). Cytogenetic location: 22q11.1.
Variant type: single nucleotide variant.
Coding change: c.1689C>T on transcript NM_014339.7 (MANE Select); coding-DNA position 1689, C replaced by T.
Protein change: p.Gly563=; no amino-acid change (glycine 563 retained).
Molecular consequence: synonymous variant.
Genome position (GRCh38, 1-based): chr22:17,108,908, C>T. VCF-style: chr22-17108908-C-T. GRCh37 (hg19) VCF-style: chr22-17589798-C-T.
Other names: p.Gly563=; c.1587C>T, p.Gly529= (NM_001289905.2).
Identifiers: ClinVar variation 340603 (VCV000340603.59), dbSNP rs146292661, ClinGen allele CA10086825.

ClinVar aggregate classification (germline): Benign/Likely benign. Review status: criteria provided, multiple submitters, no conflicts (2 of 4 stars). 8 submissions from 8 submitters: Benign (1); Likely benign (5). 2 of the submissions do not count toward it. Last evaluated 2026-02-01.

Conditions:
Immunodeficiency 51 (IMD51). Also called: CANDIDIASIS, FAMILIAL, 5. Identifiers: Orphanet 1334, MedGen C4310803, MONDO:0013500, OMIM 613953.

Allele frequency attached by ClinVar (database versions not stated): 1000 Genomes Project 30x 0.00078; 1000 Genomes Project 0.00080; TOPMed 0.00166; ESP Exome Variant Server 0.00177; gnomAD 0.00177 and 0.00185; gnomAD exomes 0.00206 and 0.00209; ExAC 0.00254.
gnomAD v4.1: 3,342 of 1,611,472 alleles (0.21%); highest among the groups gnomAD compares: Non-Finnish European, 0.23%; 3 homozygotes.

Submissions (8):

Labcorp Genetics (formerly Invitae), Labcorp
Classification: Benign for Immunodeficiency 51. Last evaluated: 2026-02-01. Review status: criteria provided, single submitter. Criteria: Invitae Variant Classification Sherloc (09022015). Collection method: clinical testing. Allele origin: germline.

Mayo Clinic Laboratories, Mayo Clinic
Classification: Likely benign. Last evaluated: 2025-12-10. Review status: criteria provided, single submitter. Criteria: ACMG Guidelines, 2015. Collection method: clinical testing. Allele origin: germline. Observed: 1 variant allele.
Comment: BS1, BP4, BP7

CeGaT Center for Human Genetics Tuebingen
Classification: Likely benign. Last evaluated: 2025-10-01. Review status: criteria provided, single submitter. Criteria: CeGaT Center For Human Genetics Tuebingen Variant Classification Criteria Version 2. Collection method: clinical testing. Allele origin: germline. Affected: yes. Observed: 4 variant alleles.
Comment: IL17RA: BP4, BP7

Blueprint Genetics
Classification: Likely benign. Last evaluated: 2024-11-14. Review status: criteria provided, single submitter. Criteria: ACMG Guidelines, 2015. Collection method: clinical testing. Allele origin: germline.

Illumina Laboratory Services, Illumina
Classification: Likely benign for Immunodeficiency 51. Last evaluated: 2018-01-13. Review status: criteria provided, single submitter. Criteria: ICSL Variant Classification Criteria 13 December 2019. Collection method: clinical testing. Allele origin: germline.
Comment: This variant was observed in the ICSL laboratory as part of a predisposition screen in an ostensibly healthy population. It had not been previously curated by ICSL or reported in the Human Gene Mutation Database (HGMD: prior to June 1st, 2018), and was therefore a candidate for classification through an automated scoring system. Utilizing variant allele frequency, disease prevalence and penetrance estimates, and inheritance mode, an automated score was calculated to assess if this variant is too frequent to cause the disease. Based on the score and internal cut-off values, a variant classified as likely benign is not then subjected to further curation. The score for this variant resulted in a classification of likely benign for this disease.

Breakthrough Genomics
Classification: Likely benign. Review status: criteria provided, single submitter. Criteria: ACMG Guidelines, 2015. Collection method: not provided. Allele origin: germline. Inheritance: Autosomal recessive inheritance. Affected: yes.

Clinical Genetics DNA and cytogenetics Diagnostics Lab, Erasmus MC, Erasmus Medical Center
Classification: Likely benign. Review status: no assertion criteria provided. Collection method: clinical testing. Allele origin: germline. Affected: yes. Study: VKGL Data-share Consensus. Not counted in ClinVar's aggregate classification.

Genome Diagnostics Laboratory, University Medical Center Utrecht
Classification: Likely benign. Review status: no assertion criteria provided. Collection method: clinical testing. Allele origin: germline. Affected: yes. Study: VKGL Data-share Consensus. Not counted in ClinVar's aggregate classification.